The following is an entry in ClinVar:

ClinVar aggregate classification (germline): Uncertain significance. Review status: criteria provided, single submitter (1 of 4 stars). 2 submissions from 2 submitters: Uncertain significance (1). 1 of the submissions does not count toward it. Last evaluated 2022-04-04.

Conditions:
Pyogenic bacterial infections due to MyD88 deficiency (IMD68). Also called: PYOGENIC BACTERIAL INFECTIONS, RECURRENT, DUE TO MYD88 DEFICIENCY. Identifiers: Orphanet 183713, MedGen C2677092, MONDO:0012839, OMIM 612260.

Allele frequency attached by ClinVar (database versions not stated): gnomAD exomes 0.00001; gnomAD 0.00001.

Submissions (2):

Labcorp Genetics (formerly Invitae), Labcorp
Classification: Uncertain significance for Pyogenic bacterial infections due to MyD88 deficiency. Last evaluated: 2022-04-04. Review status: criteria provided, single submitter. Criteria: Invitae Variant Classification Sherloc (09022015). Collection method: clinical testing. Allele origin: germline.
Comment: This variant is also known as c.586C>T (p.Arg196Cys) and R196C. ClinVar contains an entry for this variant (Variation ID: 7495). This variant is present in population databases (rs137853064, gnomAD 0.006%). This missense change has been observed in individual(s) with clinical features of MyD88 deficiency (PMID: 18669862). It has also been observed to segregate with disease in related individuals. This sequence change replaces arginine, which is basic and polar, with cysteine, which is neutral and slightly polar, at codon 209 of the MYD88 protein (p.Arg209Cys). Algorithms developed to predict the effect of missense changes on protein structure and function (SIFT, PolyPhen-2, Align-GVGD) all suggest that this variant is likely to be disruptive. Experimental studies have shown that this missense change affects MYD88 function (PMID: 18669862, 19506249, 24316379). In summary, the available evidence is currently insufficient to determine the role of this variant in disease. Therefore, it has been classified as a Variant of Uncertain Significance.

OMIM
Classification: Pathogenic for IMMUNODEFICIENCY 68. Last evaluated: 2008-08-01. Review status: no assertion criteria provided. Collection method: literature only. Allele origin: germline. Not counted in ClinVar's aggregate classification.

Literature cited by the submitters: PubMed 18669862 (cited by Labcorp Genetics (formerly Invitae), Labcorp and OMIM); PubMed 19506249 (cited by Labcorp Genetics (formerly Invitae), Labcorp); PubMed 24316379 (cited by Labcorp Genetics (formerly Invitae), Labcorp).

NM_002468.5(MYD88):c.586C>T (p.Arg196Cys)

Gene: MYD88 (MYD88 innate immune signal transduction adaptor; plus strand). Cytogenetic location: 3p22.2.
Variant type: single nucleotide variant.
Coding change: c.586C>T on transcript NM_002468.5 (MANE Select); coding-DNA position 586, C replaced by T.
Protein change: p.Arg196Cys; replaces arginine 196 with cysteine.
Molecular consequence: missense variant. On other transcripts: intron variant (2).
Genome position (GRCh38, 1-based): chr3:38,140,510, C>T. VCF-style: chr3-38140510-C-T. GRCh37 (hg19) VCF-style: chr3-38182001-C-T.
Other names: c.586C>T, p.Arg196Cys (NM_001172567.2, NM_001365876.1); c.451C>T, p.Arg151Cys (NM_001172568.2, NM_001365877.1); c.464-247C>T (NM_001172569.3); c.329-247C>T (NM_001172566.2); c.625C>T (NM_002468.4); c.625C>T, p.Arg209Cys (LRG_157t1); short protein forms R196C, R151C.
Identifiers: ClinVar variation 7495 (VCV000007495.6), dbSNP rs137853064, ClinGen allele CA118838.